The following is an entry in ClinVar:

ClinVar aggregate classification (germline): Pathogenic (1 of 4 stars; one submission).

Conditions:
Hereditary breast ovarian cancer syndrome. Also called: Hereditary breast and ovarian cancer; Breast and ovarian cancer; BRCA1- and BRCA2-Associated Hereditary Breast and Ovarian Cancer; Hereditary breast and/or ovarian cancer syndrome; Hereditary breast and ovarian cancer syndrome; Hereditary breast and ovarian cancer syndrome (HBOC). Identifiers: Orphanet 145, MedGen C0677776, MeSH D061325, MONDO:0003582. Disease mechanism: loss of function.

Submission:

Labcorp Genetics (formerly Invitae), Labcorp
Classification: Pathogenic for Hereditary breast ovarian cancer syndrome. Last evaluated: 2021-02-25. Review status: criteria provided, single submitter. Criteria: Invitae Variant Classification Sherloc (09022015). Collection method: clinical testing. Allele origin: germline.
Comment: This variant has not been reported in the literature in individuals with BRCA1-related conditions. This variant is not present in population databases (ExAC no frequency). This sequence change creates a premature translational stop signal (p.Glu349Valfs*26) in the BRCA1 gene. It is expected to result in an absent or disrupted protein product. Loss-of-function variants in BRCA1 are known to be pathogenic (PMID: 20104584). Algorithms developed to predict the effect of sequence changes on RNA splicing suggest that this variant may create or strengthen a splice site, but this prediction has not been confirmed by published transcriptional studies. For these reasons, this variant has been classified as Pathogenic.

Literature cited by the submitters: PubMed 20104584.

NM_007294.4(BRCA1):c.1044_1045dup (p.Glu349fs)

Gene: BRCA1 (BRCA1 DNA repair associated; minus strand). Cytogenetic location: 17q21.31.
Variant type: Microsatellite.
Coding change: c.1044_1045dup on transcript NM_007294.4 (MANE Select); coding-DNA positions 1044 to 1045, 2 bases duplicated (TG; older notation c.1044_1045dupTG).
Protein change: p.Glu349fs; shifts the reading frame from glutamic acid 349.
Molecular consequence: frameshift variant. On other transcripts: intron variant (137).
Genome position (GRCh38, 1-based): chr17:43,094,486-43,094,487, CA duplicated on the plus strand (TG on the coding strand, the reverse complement: BRCA1 is on the minus strand); duplicating any 2 consecutive bases within chr17:43,094,486-43,094,491 gives the same sequence; the c. name uses the placement nearest the transcript's 3' end. VCF-style (leftmost placement, unchanged base first): chr17-43094485-T-TCA. GRCh37 (hg19) VCF-style: chr17-41246502-T-TCA.
Other names: c.831_832dup, p.Glu278fs (NM_001407571.1, NM_001407853.1, NM_001407894.1 and 9 more transcripts); c.1044_1045dup, p.Glu349fs (NM_001407581.1, NM_001407582.1, NM_001407583.1 and 30 more transcripts); c.1041_1042dup, p.Glu348fs (NM_001407587.1, NM_001407590.1, NM_001407591.1 and 22 more transcripts); c.1035_1036dup, p.Glu346fs (NM_001407646.1, NM_001407647.1); c.921_922dup, p.Glu308fs (NM_001407648.1, NM_001407664.1, NM_001407665.1 and 19 more transcripts); c.918_919dup, p.Glu307fs (NM_001407649.1, NM_001407670.1, NM_001407671.1 and 11 more transcripts); c.966_967dup, p.Glu323fs (NM_001407653.1, NM_001407654.1, NM_001407655.1 and 4 more transcripts); c.963_964dup, p.Glu322fs (NM_001407659.1, NM_001407660.1, NM_001407661.1 and 1 more transcripts); and 40 more; short protein forms E302fs, E349fs, E221fs, E222fs, E238fs, E282fs, E322fs, E181fs.
Identifiers: ClinVar variation 1456441 (VCV001456441.7), dbSNP rs1555592601, ClinGen allele CA2580612617.